The following is an entry in ClinVar:

NM_005431.2(XRCC2):c.17A>T (p.His6Leu)

Gene: XRCC2 (X-ray repair cross complementing 2; minus strand). Cytogenetic location: 7q36.1.
Variant type: single nucleotide variant.
Coding change: c.17A>T on transcript NM_005431.2 (MANE Select); coding-DNA position 17, A replaced by T.
Protein change: p.His6Leu; replaces histidine 6 with leucine.
Molecular consequence: missense variant.
Genome position (GRCh38, 1-based): chr7:152,676,063, T>A on the plus strand (A>T on the coding strand, the complement: XRCC2 is on the minus strand). VCF-style: chr7-152676063-T-A. GRCh37 (hg19) VCF-style: chr7-152373148-T-A.
Other names: short protein forms H6L.
Identifiers: ClinVar variation 4866838 (VCV004866838.1).

ClinVar aggregate classification (germline): Uncertain significance (1 of 4 stars; one submission).

Conditions:
Hereditary cancer-predisposing syndrome. Also called: Neoplastic Syndromes, Hereditary; Tumor predisposition; Hereditary Cancer Syndrome; Hereditary neoplastic syndrome. Identifiers: Orphanet 140162, MedGen C0027672, MeSH D009386, MONDO:0015356.

Submission:

Ambry Genetics
Classification: Uncertain significance for Hereditary cancer-predisposing syndrome. Last evaluated: 2026-05-24. Review status: criteria provided, single submitter. Criteria: Ambry Variant Classification Scheme 2023. Collection method: clinical testing. Allele origin: germline.
Comment: The p.H6L variant (also known as c.17A>T), located in coding exon 1 of the XRCC2 gene, results from an A to T substitution at nucleotide position 17. The histidine at codon 6 is replaced by leucine, an amino acid with similar properties. This amino acid position is conserved. In addition, this alteration is predicted to be tolerated by in silico analysis. Based on the available evidence, the clinical significance of this variant remains unclear.